The following is an entry in ClinVar:

ClinVar aggregate classification (germline): Pathogenic (1 of 4 stars; one submission).

Submission:

ISCA site 14
Classification: Pathogenic. Last evaluated: 2011-08-12. Review status: criteria provided, single submitter. Criteria: Kaminsky et al. (Genet Med. 2011). Collection method: clinical testing. Allele origin: unknown. Affected: yes. Observed: 1 variant allele.
Comment: Copy number variation identified through the course of routine clinical cytogenomic testing in postnatal populations. Clinical assertions have been curated as described in Kaminsky et al. 2011.

GRCh38/hg38 22q13.31-13.33(chr22:47234701-50739836)x1

Genes: ACR (acrosin; plus strand), ADM2 (adrenomedullin 2; plus strand), ALG12 (ALG12 alpha-1,6-mannosyltransferase; minus strand), ARSA (arylsulfatase A; minus strand), BRD1 (bromodomain containing 1; minus strand) and 228 more. Cytogenetic location: 22q13.31-13.33.
Variant type: copy number loss.
Change: copy number 1 (one copy instead of two) of chr22:47,234,701-50,739,836 (3.51 Mb, GRCh38 coordinates, 1-based), cytogenetic band 22q13.31-13.33.
Identifiers: ClinVar variation 57675 (VCV000057675.1).